The following is an entry in ClinVar:

NM_001348484.3(RIMS2):c.2531A>C (p.Asp844Ala)

Gene: RIMS2 (regulating synaptic membrane exocytosis 2; plus strand). Cytogenetic location: 8q22.3.
Variant type: single nucleotide variant.
Coding change: c.2531A>C on transcript NM_001348484.3 (MANE Select); coding-DNA position 2531, A replaced by C.
Protein change: p.Asp844Ala; replaces aspartic acid 844 with alanine.
Molecular consequence: missense variant. On other transcripts: non-coding transcript variant (2).
Genome position (GRCh38, 1-based): chr8:103,931,324, A>C. VCF-style: chr8-103931324-A-C. GRCh37 (hg19) VCF-style: chr8-104943552-A-C.
Other names: c.1682A>C, p.Asp561Ala (NM_001348503.2, NM_001348506.2, NM_001348508.2 and 7 more transcripts); c.1730A>C, p.Asp577Ala (NM_001348504.2, NM_001348507.2); c.1823A>C, p.Asp608Ala (NM_001348505.2, NM_001282881.2); c.2318A>C, p.Asp773Ala (NM_001395652.1); c.2390A>C, p.Asp797Ala (NM_001395653.1, NM_001395654.1, NM_001348488.2); c.2306A>C, p.Asp769Ala (NM_001100117.3); c.2258A>C, p.Asp753Ala (NM_001348485.2, NM_001348489.2, NM_001348493.2); c.2411A>C, p.Asp804Ala (NM_001348486.2); and 4 more; short protein forms D757A, D840A, D844A, D608A, D753A, D561A, D767A, D797A.
Identifiers: ClinVar variation 709423 (VCV000709423.31), dbSNP rs61753731, ClinGen allele CA4837053.

ClinVar aggregate classification (germline): Benign/Likely benign. Review status: criteria provided, multiple submitters, no conflicts (2 of 4 stars). 4 submissions from 4 submitters: Benign (2); Likely benign (2). Last evaluated 2026-09-01.

Allele frequency attached by ClinVar (database versions not stated): 1000 Genomes Project 0.00060; 1000 Genomes Project 30x 0.00094; TOPMed 0.00280; gnomAD 0.00334 and 0.00348; gnomAD exomes 0.00389; ExAC 0.00402; ESP Exome Variant Server 0.00408.
gnomAD v4.1: 5,894 of 1,603,636 alleles (0.37%); highest among the groups gnomAD compares: Middle Eastern, 0.58%; 25 homozygotes.

Submissions (4):

CeGaT Center for Human Genetics Tuebingen
Classification: Likely benign. Last evaluated: 2026-09-01. Review status: criteria provided, single submitter. Criteria: CeGaT Center For Human Genetics Tuebingen Variant Classification Criteria Version 2. Collection method: clinical testing. Allele origin: germline. Affected: yes. Observed: 4 variant alleles.
Comment: RIMS2: BS2

Genomic Medicine Center of Excellence, King Faisal Specialist Hospital and Research Centre
Classification: Likely benign. Last evaluated: 2025-08-18. Review status: criteria provided, single submitter. Criteria: ACMG Guidelines, 2015. Collection method: clinical testing. Allele origin: germline.

Labcorp Genetics (formerly Invitae), Labcorp
Classification: Benign. Last evaluated: 2019-12-31. Review status: criteria provided, single submitter. Criteria: Invitae Variant Classification Sherloc (09022015). Collection method: clinical testing. Allele origin: germline.

Breakthrough Genomics
Classification: Benign. Review status: criteria provided, single submitter. Criteria: ACMG Guidelines, 2015. Collection method: not provided. Allele origin: germline. Inheritance: Autosomal recessive inheritance. Affected: yes.